The following is an entry in ClinVar:

ClinVar aggregate classification (germline): Uncertain significance (1 of 4 stars; one submission).

Conditions:
Charcot-Marie-Tooth disease type 4. Also called: Charcot-Marie-Tooth disease, type IV; Charcot-Marie-Tooth, Type 4. Identifiers: Orphanet 64749, MedGen C4082197, MONDO:0018995.

Allele frequency attached by ClinVar (database versions not stated): gnomAD exomes below 0.00001.
gnomAD v4.1: 2 of 1,613,856 alleles (0.00012%); highest among the groups gnomAD compares: Non-Finnish European, 0.00017%; no homozygotes.

Submission:

Labcorp Genetics (formerly Invitae), Labcorp
Classification: Uncertain significance for Charcot-Marie-Tooth disease type 4. Last evaluated: 2022-10-13. Review status: criteria provided, single submitter. Criteria: Invitae Variant Classification Sherloc (09022015). Collection method: clinical testing. Allele origin: germline.
Comment: In summary, the available evidence is currently insufficient to determine the role of this variant in disease. Therefore, it has been classified as a Variant of Uncertain Significance. Advanced modeling of protein sequence and biophysical properties (such as structural, functional, and spatial information, amino acid conservation, physicochemical variation, residue mobility, and thermodynamic stability) performed at Invitae indicates that this missense variant is not expected to disrupt SBF2 protein function. This variant has not been reported in the literature in individuals affected with SBF2-related conditions. This variant is not present in population databases (gnomAD no frequency). This sequence change replaces glutamine, which is neutral and polar, with histidine, which is basic and polar, at codon 55 of the SBF2 protein (p.Gln55His).

NM_030962.4(SBF2):c.165G>T (p.Gln55His)

Gene: SBF2 (SET binding factor 2; minus strand). Cytogenetic location: 11p15.4.
Variant type: single nucleotide variant.
Coding change: c.165G>T on transcript NM_030962.4 (MANE Select); coding-DNA position 165, G replaced by T.
Protein change: p.Gln55His; replaces glutamine 55 with histidine.
Molecular consequence: missense variant.
Genome position (GRCh38, 1-based): chr11:10,042,958, C>A on the plus strand (G>T on the coding strand, the complement: SBF2 is on the minus strand). VCF-style: chr11-10042958-C-A. GRCh37 (hg19) VCF-style: chr11-10064505-C-A.
Other names: c.165G>T, p.Gln55His (NM_001386339.1, NM_001386342.1); short protein forms Q55H.
Identifiers: ClinVar variation 2185313 (VCV002185313.4), dbSNP rs2496467632, ClinGen allele CA379644030.
Genomic context (GRCh38, chr11:10,042,958, plus strand): 5'-TGAGTCAATGTCTGTCAGGACAACCACAAAGAACGTTGGCTGCTTCCTCTCTCTGGACAG[C>A]TGCCACCCGCCAGGCTGACAAAACTAAATGAAATAGAAAAAAAAATGTAACATTTAAAAA-3'
Protein context (NP_112224.1, residues 45-65): IELFCQPGGW[Gln55His]LSRERKQPTF